The following is an entry in ClinVar:

NM_019844.4(SLCO1B3):c.300T>C (p.Gly100=)

Genes: SLCO1B3 (solute carrier organic anion transporter family member 1B3; plus strand), SLCO1B3-SLCO1B7 (SLCO1B3-SLCO1B7 readthrough; plus strand). Cytogenetic location: 12p12.2.
Variant type: single nucleotide variant.
Coding change: c.300T>C on transcript NM_019844.4 (MANE Select); coding-DNA position 300, T replaced by C.
Protein change: p.Gly100=; no amino-acid change (glycine 100 retained).
Molecular consequence: synonymous variant.
Genome position (GRCh38, 1-based): chr12:20,858,512, T>C. VCF-style: chr12-20858512-T-C. GRCh37 (hg19) VCF-style: chr12-21011446-T-C.
Other names: c.300T>C, p.Gly100= (NM_001371097.1); c.216T>C, p.Gly72= (NM_001349920.2).
Identifiers: ClinVar variation 3031104 (VCV003031104.2), dbSNP rs757386211, ClinGen allele CA6475128.

ClinVar aggregate classification (germline): Likely benign (0 of 4 stars; one submission).

Conditions:
SLCO1B3-related disorder. Also called: SLCO1B3-related condition.

Allele frequency attached by ClinVar (database versions not stated): gnomAD exomes below 0.00001; ExAC 0.00001; gnomAD 0.00001.
gnomAD v4.1: 3 of 1,600,384 alleles (0.00019%); highest among the groups gnomAD compares: African/African-American, 0.004%; no homozygotes.

Submission:

PreventionGenetics, part of Exact Sciences
Classification: Likely benign for SLCO1B3-related condition. Last evaluated: 2022-03-23. Review status: no assertion criteria provided. Collection method: clinical testing. Allele origin: germline.
Comment: This variant is classified as likely benign based on ACMG/AMP sequence variant interpretation guidelines (Richards et al. 2015 PMID: 25741868, with internal and published modifications).